The following is an entry in ClinVar:

ClinVar aggregate classification (germline): Pathogenic (1 of 4 stars; one submission).

Conditions:
CHD7-related CHARGE syndrome. Identifiers: MedGen CN380413, MONDO:1010178, OMIM 214800.

Submission:

Variantyx, Inc.
Classification: Pathogenic for CHD7-related CHARGE syndrome. Last evaluated: 2025-04-11. Review status: criteria provided, single submitter. Criteria: Variantyx Assertion Criteria 2022. Collection method: clinical testing. Allele origin: germline. Inheritance: Autosomal recessive inheritance. Affected: yes.
Comment: This is a frameshift variant in the CHD7 gene (OMIM: 608892). Pathogenic variants in this gene have been associated with autosomal dominant CHARGE syndrome. This variant introduces a premature termination codon in exon 23 out of 38 and is expected to result in loss of function, which is a known disease mechanism for CHD7 in this disorder (PMID: 22461308, 25077900, 21158681, 16400610, 19248844) (PVS1). This variant is absent from control populations (PM2). Based on the current evidence, this variant is classified as pathogenic for autosomal dominant CHARGE syndrome.

Literature cited by the submitters: PubMed 22461308; PubMed 25077900; PubMed 21158681; PubMed 16400610; PubMed 19248844.

NM_017780.4(CHD7):c.5058del (p.Ala1687fs)

Gene: CHD7 (chromodomain helicase DNA binding protein 7; plus strand). Cytogenetic location: 8q12.2.
Variant type: Deletion.
Coding change: c.5058del on transcript NM_017780.4 (MANE Select); coding-DNA position 5058, one base deleted (A; older notation c.5058delA).
Protein change: p.Ala1687fs; shifts the reading frame from alanine 1687.
Molecular consequence: frameshift variant. On other transcripts: intron variant (1).
Genome position (GRCh38, 1-based): chr8:60,845,257, A deleted. VCF-style (leftmost placement, unchanged base first): chr8-60845256-CA-C. GRCh37 (hg19) VCF-style: chr8-61757815-CA-C.
Other names: c.1717-16972del (NM_001316690.1); short protein forms A1687fs.
Identifiers: ClinVar variation 4813824 (VCV004813824.1).
Genomic context (GRCh38, chr8:60,845,256, plus strand): 5'-ACACTATAATTGGAATGTAAAAGGCTTCTATTATTATTATGATGGTGATTCTAGGTTTGT[CA>C]GCTCCTGTGCCAAGGGGAAGGAAGGGAAAGAAGGTGAAAGCCCAGAGCACACAGCCGGTG-3'